The following is an entry in ClinVar:

NC_000004.11:g.(?_15482308)_(15560900_?)del

Gene: CC2D2A (coiled-coil and C2 domain containing 2A; plus strand). Cytogenetic location: 4p15.32.
Variant type: Deletion.
Identifiers: ClinVar variation 3246615 (VCV003246615.1).

ClinVar aggregate classification (germline): Pathogenic (1 of 4 stars; one submission).

Conditions:
Joubert syndrome. Also called: CEREBELLOPARENCHYMAL DISORDER IV; JOUBERT-BOLTSHAUSER SYNDROME; Familial aplasia of the vermis. Identifiers: Orphanet 475, MedGen C5979921, MONDO:0018772.
Meckel-Gruber syndrome. Also called: DYSENCEPHALIA SPLANCHNOCYSTICA; GRUBER SYNDROME; Dysencephalia splachnocystica. Identifiers: Orphanet 564, MedGen C0265215, MONDO:0018921.

Submission:

Labcorp Genetics (formerly Invitae), Labcorp
Classification: Pathogenic for Joubert syndrome; Meckel-Gruber syndrome. Last evaluated: 2023-10-14. Review status: criteria provided, single submitter. Criteria: Invitae Variant Classification Sherloc (09022015). Collection method: clinical testing. Allele origin: unknown.
Comment: This variant is a gross deletion of the genomic region encompassing exon(s) 5-23 of the CC2D2A gene. This variant would be expected to be in-frame, preserving the integrity of the reading frame. This variant has not been reported in the literature in individuals affected with CC2D2A-related conditions. This variant disrupts a region of the CC2D2A protein in which other variant(s) (p.Leu559Pro) have been determined to be pathogenic (PMID: 21068128, 22241855). This suggests that this is a clinically significant region of the protein, and that variants that disrupt it are likely to be disease-causing. For these reasons, this variant has been classified as Pathogenic.

Literature cited by the submitters: PubMed 21068128; PubMed 22241855.